The following is an entry in ClinVar:

NM_001009944.3(PKD1):c.4563T>C (p.Gly1521=)

Gene: PKD1 (polycystin 1, transient receptor potential channel interacting; minus strand). Cytogenetic location: 16p13.3.
Variant type: single nucleotide variant.
Coding change: c.4563T>C on transcript NM_001009944.3 (MANE Select); coding-DNA position 4563, T replaced by C.
Protein change: p.Gly1521=; no amino-acid change (glycine 1521 retained).
Molecular consequence: synonymous variant.
Genome position (GRCh38, 1-based): chr16:2,110,604, A>G on the plus strand (T>C on the coding strand, the complement: PKD1 is on the minus strand). VCF-style: chr16-2110604-A-G. GRCh37 (hg19) VCF-style: chr16-2160605-A-G.
Other names: c.4563T>C, p.Gly1521= (NM_000296.4); c.4563T>C (NM_000296.3).
Identifiers: ClinVar variation 803167 (VCV000803167.7), dbSNP rs143843155, ClinGen allele CA7832335.

ClinVar aggregate classification (germline): Benign/Likely benign. Review status: criteria provided, multiple submitters, no conflicts (2 of 4 stars). 6 submissions from 6 submitters: Benign (2); Likely benign (3). 1 of the submissions does not count toward it. Last evaluated 2024-09-05.

Conditions:
Polycystic kidney disease. Also called: Polycystic kidney dysplasia; Kidney, Polycystic. Identifiers: MedGen C0022680, MeSH D007690, MONDO:0020642, HP:0000113.
Polycystic kidney disease, adult type (PKD1). Also called: Polycystic Kidney Disease 1, Autosomal Dominant; Polycystic kidney disease 1; Polycystic kidney disease 1, severe; Polycystic Kidney, Autosomal Dominant; POLYCYSTIC KIDNEY DISEASE 1 WITH OR WITHOUT POLYCYSTIC LIVER DISEASE; POLYCYSTIC KIDNEY DISEASE, ADULT, TYPE I. Identifiers: MedGen C3149841, MONDO:0008263, OMIM 173900.

Allele frequency attached by ClinVar (database versions not stated): 1000 Genomes Project 0.00040; 1000 Genomes Project 30x 0.00047; gnomAD 0.00048; gnomAD exomes 0.00054 and 0.00100; TOPMed 0.00055; ExAC 0.00059; ESP Exome Variant Server 0.00085.
gnomAD v4.1: 1,518 of 1,610,564 alleles (0.094%); highest among the groups gnomAD compares: Non-Finnish European, 0.12%; no homozygotes.

Submissions (6):

Blueprint Genetics
Classification: Likely benign. Last evaluated: 2024-09-05. Review status: criteria provided, single submitter. Criteria: ACMG Guidelines, 2015. Collection method: clinical testing. Allele origin: germline.

Women's Health and Genetics/Laboratory Corporation of America, LabCorp
Classification: Benign. Last evaluated: 2024-08-08. Review status: criteria provided, single submitter. Criteria: LabCorp Variant Classification Summary - May 2015. Collection method: clinical testing. Allele origin: germline.

Athena Diagnostics
Classification: Benign. Last evaluated: 2023-11-17. Review status: criteria provided, single submitter. Criteria: Athena Diagnostics Criteria. Collection method: clinical testing. Allele origin: unknown.

GeneDx
Classification: Likely benign. Last evaluated: 2021-03-17. Review status: criteria provided, single submitter. Criteria: GeneDx Variant Classification Process June 2021. Collection method: clinical testing. Allele origin: germline. Affected: yes.

Mendelics
Classification: Likely benign for Polycystic kidney disease, adult type. Last evaluated: 2019-05-28. Review status: criteria provided, single submitter. Criteria: Mendelics Assertion Criteria 2017. Collection method: clinical testing. Allele origin: unknown.

Department of Pathology and Laboratory Medicine, Sinai Health System
Classification: Likely benign for Polycystic Kidney disease. Review status: no assertion criteria provided. Collection method: clinical testing. Allele origin: unknown. Affected: yes. Study: The Canadian Open Genetics Repository (COGR). Not counted in ClinVar's aggregate classification.
Comment: The PKD1 p.Gly1521= variant was not identified in the literature nor was it identified in the ClinVar, GeneInsight-COGR, LOVD 3.0, or PKD1-LOVD databases. The variant was identified in dbSNP (ID: rs143843155) as â€šÃ„ÃºNAâ€šÃ„Ã¹, and the ADPKD Mutation Database (classified as likely neutral by Athena Diagnostics). The variant was identified in control databases in 146 of 275350 chromosomes at a frequency of 0.0005 increasing the likelihood this could be a low frequency benign variant (Genome Aggregation Database Feb 27, 2017). Breakdown of the observations by population include African in 4 of 23804 chromosomes (freq: 0.0002), Other in 1 of 6422 chromosomes (freq: 0.0002), Latino in 18 of 34396 chromosomes (freq: 0.0005), European in 120 of 125346 chromosomes (freq: 0.001), Ashkenazi Jewish in 1 of 10080 chromosomes (freq: 0.0001), and Finnish in 2 of 25710 chromosomes (freq: 0.00008), while the variant was not observed in the East Asian or South Asian populations. In addition we cannot be certain that data from control databases is specific to PKD1 and not from one of the six PKD1 pseudogenes. The p.Gly1521Gly variant is not expected to have clinical significance because it does not result in a change of amino acid and is not located in a known consensus splice site. In addition, in silico or computational prediction software programs (SpliceSiteFinder, MaxEntScan, NNSPLICE, GeneSplicer, HumanSpliceFinder) do not predict a difference in splicing. In summary, based on the above information the clinical significance of this variant cannot be determined with certainty at this time although we would lean towards a more benign role for this variant. This variant is classified as likely benign.